The following is an entry in ClinVar:

NM_000487.6(ARSA):c.854+3A>G

Gene: ARSA (arylsulfatase A; minus strand). Cytogenetic location: 22q13.33.
Variant type: single nucleotide variant.
Coding change: c.854+3A>G on transcript NM_000487.6 (MANE Select); 3 bases into the intron after coding-DNA position 854, A replaced by G.
Molecular consequence: intron variant.
Genome position (GRCh38, 1-based): chr22:50,626,588, T>C on the plus strand (A>G on the coding strand, the complement: ARSA is on the minus strand). VCF-style: chr22-50626588-T-C. GRCh37 (hg19) VCF-style: chr22-51065016-T-C.
Other names: c.596+3A>G (NM_001362782.2, NM_001085428.3); c.854+3A>G (NM_001085427.3, NM_001085426.3, NM_001085425.3).
Identifiers: ClinVar variation 392622 (VCV000392622.2), dbSNP rs1057524566, ClinGen allele CA16608209.

ClinVar aggregate classification (germline): Uncertain significance (1 of 4 stars; one submission).

Allele frequency attached by ClinVar (database versions not stated): TOPMed below 0.00001.

Submission:

GeneDx
Classification: Uncertain significance. Last evaluated: 2016-12-27. Review status: criteria provided, single submitter. Criteria: GeneDx Variant Classification (06012015). Collection method: clinical testing. Allele origin: germline. Affected: yes.
Comment: The c.854+3 A>G variant has not been published as a pathogenic variant, nor has it been reported as a benign variant to our knowledge. The c.854+3 A>G variant was not observed in approximately 6500 individuals of European and African American ancestry in the NHLBI Exome Sequencing Project, indicating it is not a common benign variant in these populations. The c.854+3 A>G nucleotide substitution occurs at a position that is not conserved. Several in-silico splice prediction models predict that c.854+3 A>G destroys the splice donor for intron 4 and lead to abnormal gene splicing. However, in the absence of RNA/functional studies, the actual effect of this sequence change in this individual is unknown. In summary, based on the currently available information, it is unclear whether this variant is a pathogenic variant or a rare benign variant.